The following is an entry in ClinVar:

NM_001267550.2(TTN):c.31900C>T (p.Gln10634Ter)

Gene: TTN (titin; minus strand). Cytogenetic location: 2q31.2.
Variant type: single nucleotide variant.
Coding change: c.31900C>T on transcript NM_001267550.2 (MANE Select); coding-DNA position 31900, C replaced by T.
Protein change: p.Gln10634Ter; replaces glutamine 10634 with a stop codon.
Molecular consequence: nonsense. On other transcripts: intron variant (3).
Genome position (GRCh38, 1-based): chr2:178,689,542, G>A on the plus strand (C>T on the coding strand, the complement: TTN is on the minus strand). VCF-style: chr2-178689542-G-A. GRCh37 (hg19) VCF-style: chr2-179554269-G-A.
Other names: c.30949C>T, p.Gln10317Ter (NM_001256850.1); c.28168C>T, p.Gln9390Ter (NM_133378.4); c.13283-47225C>T (NM_003319.4); c.13859-47225C>T (NM_133437.4); c.13658-47225C>T (NM_133432.3); short protein forms Q10317*, Q10634*, Q9390*.
Identifiers: ClinVar variation 4535344 (VCV004535344.6).

ClinVar aggregate classification (germline): Likely pathogenic (1 of 4 stars; one submission).

Submission:

CeGaT Center for Human Genetics Tuebingen
Classification: Likely pathogenic. Last evaluated: 2025-11-01. Review status: criteria provided, single submitter. Criteria: CeGaT Center For Human Genetics Tuebingen Variant Classification Criteria Version 2. Collection method: clinical testing. Allele origin: germline. Affected: yes. Observed: 1 variant allele.
Comment: TTN: PVS1:Strong, PM2